The following is an entry in ClinVar:

NM_182961.4(SYNE1):c.811A>G (p.Ile271Val)

Gene: SYNE1 (spectrin repeat containing nuclear envelope protein 1; minus strand). Cytogenetic location: 6q25.2.
Variant type: single nucleotide variant.
Coding change: c.811A>G on transcript NM_182961.4 (MANE Select); coding-DNA position 811, A replaced by G.
Protein change: p.Ile271Val; replaces isoleucine 271 with valine.
Molecular consequence: missense variant.
Genome position (GRCh38, 1-based): chr6:152,502,710, T>C on the plus strand (A>G on the coding strand, the complement: SYNE1 is on the minus strand). VCF-style: chr6-152502710-T-C. GRCh37 (hg19) VCF-style: chr6-152823845-T-C.
Other names: c.832A>G, p.Ile278Val (NM_033071.5); short protein forms I271V, I278V.
Identifiers: ClinVar variation 593237 (VCV000593237.6), dbSNP rs373660055, ClinGen allele CA4059610.

ClinVar aggregate classification (germline): Uncertain significance. Review status: criteria provided, multiple submitters, no conflicts (2 of 4 stars). 2 submissions from 2 submitters: Uncertain significance (2). Last evaluated 2025-12-08.

Conditions:
Emery-Dreifuss muscular dystrophy 4, autosomal dominant (EDMD4). Also called: EMERY-DREIFUSS MUSCULAR DYSTROPHY 4 WITH VARIABLE FEATURES. Identifiers: Orphanet 261, MedGen C2751807, MONDO:0013071, OMIM 612998.
Autosomal recessive ataxia, Beauce type. Also called: SYNE1-Related Autosomal Recessive Cerebellar Ataxia; Spinocerebellar ataxia, autosomal recessive 8; ATAXIA, RECESSIVE, OF BEAUCE; SYNE1 Deficiency. Identifiers: Orphanet 88644, MedGen C1853116, MONDO:0012549, OMIM 610743.

Allele frequency attached by ClinVar (database versions not stated): gnomAD 0.00001; TOPMed 0.00001; ESP Exome Variant Server 0.00008.
gnomAD v4.1: 8 of 1,613,666 alleles (0.0005%); highest among the groups gnomAD compares: African/African-American, 0.0013%; no homozygotes.

Submissions (2):

Labcorp Genetics (formerly Invitae), Labcorp
Classification: Uncertain significance for Emery-Dreifuss muscular dystrophy 4, autosomal dominant; Autosomal recessive ataxia, Beauce type. Last evaluated: 2025-12-08. Review status: criteria provided, single submitter. Criteria: Invitae Variant Classification Sherloc (09022015). Collection method: clinical testing. Allele origin: germline.
Comment: This sequence change replaces isoleucine, which is neutral and non-polar, with valine, which is neutral and non-polar, at codon 278 of the SYNE1 protein (p.Ile278Val). This variant is present in population databases (rs373660055, gnomAD 0.007%). This variant has not been reported in the literature in individuals affected with SYNE1-related conditions. ClinVar contains an entry for this variant (Variation ID: 593237). An algorithm developed to predict the effect of missense changes on protein structure and function outputs the following: PolyPhen-2: "Benign". The valine amino acid residue is found in multiple mammalian species, which suggests that this missense change does not adversely affect protein function. In summary, the available evidence is currently insufficient to determine the role of this variant in disease. Therefore, it has been classified as a Variant of Uncertain Significance.

Eurofins Ntd Llc (ga)
Classification: Uncertain significance. Last evaluated: 2017-07-14. Review status: criteria provided, single submitter. Criteria: EGL Classification Definitions 2015. Collection method: clinical testing. Allele origin: germline. Observed: 1 variant allele, 1 heterozygote.